The following is an entry in ClinVar:

ClinVar aggregate classification (germline): Uncertain significance (1 of 4 stars; one submission).

Allele frequency attached by ClinVar (database versions not stated): TOPMed below 0.00001.

Submission:

GeneDx
Classification: Uncertain significance. Last evaluated: 2022-12-14. Review status: criteria provided, single submitter. Criteria: GeneDx Variant Classification Process June 2021. Collection method: clinical testing. Allele origin: germline. Affected: yes.
Comment: Not observed at significant frequency in large population cohorts (gnomAD); In silico analysis supports that this missense variant does not alter protein structure/function; Has not been previously published as pathogenic or benign to our knowledge

NM_006160.4(NEUROD2):c.178C>T (p.Leu60Phe)

Gene: NEUROD2 (neuronal differentiation 2; minus strand). Cytogenetic location: 17q12.
Variant type: single nucleotide variant.
Coding change: c.178C>T on transcript NM_006160.4 (MANE Select); coding-DNA position 178, C replaced by T.
Protein change: p.Leu60Phe; replaces leucine 60 with phenylalanine.
Molecular consequence: missense variant.
Genome position (GRCh38, 1-based): chr17:39,606,422, G>A on the plus strand (C>T on the coding strand, the complement: NEUROD2 is on the minus strand). VCF-style: chr17-39606422-G-A. GRCh37 (hg19) VCF-style: chr17-37762675-G-A.
Other names: short protein forms L60F.
Identifiers: ClinVar variation 2505804 (VCV002505804.1), dbSNP rs1387622278, ClinGen allele CA399259048.